The following is an entry in ClinVar:

NM_025103.4(IFT74):c.1608T>G (p.Asn536Lys)

Gene: IFT74 (intraflagellar transport 74; plus strand). Cytogenetic location: 9p21.2.
Variant type: single nucleotide variant.
Coding change: c.1608T>G on transcript NM_025103.4 (MANE Select); coding-DNA position 1608, T replaced by G.
Protein change: p.Asn536Lys; replaces asparagine 536 with lysine.
Molecular consequence: missense variant.
Genome position (GRCh38, 1-based): chr9:27,056,444, T>G. VCF-style: chr9-27056444-T-G. GRCh37 (hg19) VCF-style: chr9-27056442-T-G.
Other names: c.1608T>G, p.Asn536Lys (NM_001099222.3, NM_001099223.3, NM_001349928.2); short protein forms N536K.
Identifiers: ClinVar variation 4983000 (VCV004983000.1).

ClinVar aggregate classification (germline): Uncertain significance (1 of 4 stars; one submission).

Conditions:
IFT74-related disorder. Also called: IFT74-related condition; IFT74-Related Disorders.

gnomAD v4.1: 2 of 1,595,584 alleles (0.00013%); highest among the groups gnomAD compares: Admixed American, 0.0036%; no homozygotes.

Submission:

PreventionGenetics, part of Exact Sciences
Classification: Uncertain significance for IFT74-related condition. Last evaluated: 2025-05-06. Review status: criteria provided, single submitter. Criteria: ACMG Guidelines, 2015. Collection method: clinical testing. Allele origin: germline.
Comment: The IFT74 c.1608T>G variant is predicted to result in the amino acid substitution p.Asn536Lys. To our knowledge, this variant has not been reported in the literature. This variant is reported in 0.0065% of alleles in individuals of Latino descent in gnomAD. At this time, the clinical significance of this variant is uncertain due to the absence of conclusive functional and genetic evidence.